The following is an entry in ClinVar:

ClinVar aggregate classification (germline): Uncertain significance (1 of 4 stars; one submission).

Allele frequency attached by ClinVar (database versions not stated): gnomAD exomes 0.00001; ExAC 0.00001; gnomAD 0.00001.
gnomAD v4.1: 4 of 1,606,596 alleles (0.00025%); highest among the groups gnomAD compares: Non-Finnish European, 0.00034%; no homozygotes.

Submission:

Labcorp Genetics (formerly Invitae), Labcorp
Classification: Uncertain significance. Last evaluated: 2020-12-01. Review status: criteria provided, single submitter. Criteria: Invitae Variant Classification Sherloc (09022015). Collection method: clinical testing. Allele origin: germline.
Comment: This variant has not been reported in the literature in individuals with ZCCHC8-related conditions. In summary, the available evidence is currently insufficient to determine the role of this variant in disease. Therefore, it has been classified as a Variant of Uncertain Significance. Algorithms developed to predict the effect of missense changes on protein structure and function are either unavailable or do not agree on the potential impact of this missense change (SIFT: "Deleterious"; PolyPhen-2: "Not Available"; Align-GVGD: "Class C65"). This variant is present in population databases (rs771124830, ExAC 0.003%). This sequence change replaces aspartic acid with valine at codon 360 of the ZCCHC8 protein (p.Asp360Val). The aspartic acid residue is highly conserved and there is a large physicochemical difference between aspartic acid and valine.

NM_017612.5(ZCCHC8):c.1079A>T (p.Asp360Val)

Gene: ZCCHC8 (zinc finger CCHC-type containing 8; minus strand). Cytogenetic location: 12q24.31.
Variant type: single nucleotide variant.
Coding change: c.1079A>T on transcript NM_017612.5 (MANE Select); coding-DNA position 1079, A replaced by T.
Protein change: p.Asp360Val; replaces aspartic acid 360 with valine.
Molecular consequence: missense variant.
Genome position (GRCh38, 1-based): chr12:122,480,251, T>A on the plus strand (A>T on the coding strand, the complement: ZCCHC8 is on the minus strand). VCF-style: chr12-122480251-T-A. GRCh37 (hg19) VCF-style: chr12-122964798-T-A.
Other names: c.848A>T, p.Asp283Val (NM_001350935.2); c.782A>T, p.Asp261Val (NM_001350936.2); c.365A>T, p.Asp122Val (NM_001350937.2, NM_001350938.2); short protein forms D122V, D261V, D360V, D283V.
Identifiers: ClinVar variation 1426762 (VCV001426762.8), dbSNP rs771124830, ClinGen allele CA6846292.